The following is an entry in ClinVar:

NM_002474.3(MYH11):c.5009A>C (p.Glu1670Ala)

Genes: MYH11 (myosin heavy chain 11; minus strand), NDE1 (nudE neurodevelopment protein 1; plus strand). Cytogenetic location: 16p13.11.
Variant type: single nucleotide variant.
Coding change: c.5009A>C on transcript NM_002474.3 (MANE Select); coding-DNA position 5009, A replaced by C.
Protein change: p.Glu1670Ala; replaces glutamic acid 1670 with alanine.
Molecular consequence: missense variant. On other transcripts: intron variant (2).
Genome position (GRCh38, 1-based): chr16:15,719,658, T>G on the plus strand (A>C on the coding strand, the complement: MYH11 is on the minus strand). VCF-style: chr16-15719658-T-G. GRCh37 (hg19) VCF-style: chr16-15813515-T-G.
Other names: c.5030A>C, p.Glu1677Ala (NM_001040113.2, NM_001040114.2); c.5009A>C, p.Glu1670Ala (NM_022844.3); c.948-4533T>G (NM_001143979.2, NM_017668.3); short protein forms E1677A, E1670A.
Identifiers: ClinVar variation 943950 (VCV000943950.9), dbSNP rs2040361619, ClinGen allele CA394851658.

ClinVar aggregate classification (germline): Uncertain significance (1 of 4 stars; one submission).

Conditions:
Aortic aneurysm, familial thoracic 4 (AAT4). Also called: AORTIC ANEURYSM/AORTIC DISSECTION AND PATENT DUCTUS ARTERIOSUS. Identifiers: MedGen C1851504, MONDO:0007568, OMIM 132900.

Submission:

Labcorp Genetics (formerly Invitae), Labcorp
Classification: Uncertain significance for Aortic aneurysm, familial thoracic 4. Last evaluated: 2020-02-21. Review status: criteria provided, single submitter. Criteria: Invitae Variant Classification Sherloc (09022015). Collection method: clinical testing. Allele origin: germline.
Comment: This sequence change replaces glutamic acid with alanine at codon 1677 of the MYH11 protein (p.Glu1677Ala). The glutamic acid residue is highly conserved and there is a moderate physicochemical difference between glutamic acid and alanine. This variant is not present in population databases (ExAC no frequency). This variant has not been reported in the literature in individuals with MYH11-related conditions. Algorithms developed to predict the effect of missense changes on protein structure and function (SIFT, PolyPhen-2, Align-GVGD) all suggest that this variant is likely to be disruptive, but these predictions have not been confirmed by published functional studies and their clinical significance is uncertain. In summary, the available evidence is currently insufficient to determine the role of this variant in disease. Therefore, it has been classified as a Variant of Uncertain Significance.